The following is an entry in ClinVar:

ClinVar aggregate classification (germline): Uncertain significance. Review status: criteria provided, multiple submitters, no conflicts (2 of 4 stars). 3 submissions from 3 submitters: Uncertain significance (3). Last evaluated 2026-09-08.

Conditions:
Fabry disease. Also called: Fabry's disease; ALPHA-GALACTOSIDASE A DEFICIENCY; ANDERSON-FABRY DISEASE; CERAMIDE TRIHEXOSIDASE DEFICIENCY; GLA DEFICIENCY; HEREDITARY DYSTOPIC LIPIDOSIS. Identifiers: Orphanet 324, MedGen C0002986, MONDO:0010526, OMIM 301500, HP:0001071. Disease mechanism: Fabry disease is due to inactivating mutations in the X-linked GLA gene resulting in deficiency of the enzyme Alpha Galactosidase-A., loss of function.
Cardiovascular phenotype. Identifiers: MedGen CN230736.

gnomAD v4.1: 2 of 1,207,781 alleles (0.00017%); highest among the groups gnomAD compares: South Asian, 0.0018%; no homozygotes.

Submissions (3):

Genomenon, Inc
Classification: Uncertain significance for Fabry disease. Last evaluated: 2026-09-08. Review status: criteria provided, single submitter. Criteria: Genomenon Sequence Variant Interpretation Standards - Updated. Collection method: curation. Allele origin: germline. Affected: no.
Comment: GLA p.Val413Ile (c.1237G>A) is a missense variant that changes the amino acid at codon 413 from Valine to Isoleucine. This variant has been reported in the published literature (PMID:32234567). It is absent or not present at a significant frequency in gnomAD. In conclusion, we classify GLA p.Val413Ile (c.1237G>A) as a variant of uncertain significance.

Labcorp Genetics (formerly Invitae), Labcorp
Classification: Uncertain significance for Fabry disease. Last evaluated: 2025-07-08. Review status: criteria provided, single submitter. Criteria: Invitae Variant Classification Sherloc (09022015). Collection method: clinical testing. Allele origin: germline.
Comment: This sequence change replaces valine, which is neutral and non-polar, with isoleucine, which is neutral and non-polar, at codon 413 of the GLA protein (p.Val413Ile). This variant is present in population databases (rs782430535, gnomAD 0.001%). This variant has not been reported in the literature in individuals affected with GLA-related conditions. ClinVar contains an entry for this variant (Variation ID: 3281499). Invitae Evidence Modeling of protein sequence and biophysical properties (such as structural, functional, and spatial information, amino acid conservation, physicochemical variation, residue mobility, and thermodynamic stability) indicates that this missense variant is not expected to disrupt GLA protein function with a negative predictive value of 80%. In summary, the available evidence is currently insufficient to determine the role of this variant in disease. Therefore, it has been classified as a Variant of Uncertain Significance.

Ambry Genetics
Classification: Uncertain significance for Cardiovascular phenotype. Last evaluated: 2024-05-20. Review status: criteria provided, single submitter. Criteria: Ambry Variant Classification Scheme 2023. Collection method: clinical testing. Allele origin: germline.
Comment: The p.V413I variant (also known as c.1237G>A), located in coding exon 7 of the GLA gene, results from a G to A substitution at nucleotide position 1237. The valine at codon 413 is replaced by isoleucine, an amino acid with highly similar properties. This amino acid position is well conserved in available vertebrate species. In addition, the in silico prediction for this alteration is inconclusive. Based on data from gnomAD, the A allele has an overall frequency of 0.0005% (1/183416) total alleles studied, with no hemizygote(s) observed. The highest observed frequency was 0.0012% (1/81877) of European (non-Finnish) alleles. Based on the available evidence, the clinical significance of this variant remains unclear.

Literature cited by the submitters: PubMed 32234567 (cited by Genomenon, Inc).

NM_000169.3(GLA):c.1237G>A (p.Val413Ile)

Genes: GLA (galactosidase alpha; minus strand), RPL36A-HNRNPH2 (RPL36A-HNRNPH2 readthrough; plus strand). Cytogenetic location: Xq22.1.
Variant type: single nucleotide variant.
Coding change: c.1237G>A on transcript NM_000169.3 (MANE Select); coding-DNA position 1237, G replaced by A.
Protein change: p.Val413Ile; replaces valine 413 with isoleucine.
Molecular consequence: missense variant. On other transcripts: non-coding transcript variant (3), intron variant (2).
Genome position (GRCh38, 1-based): chrX:101,397,862, C>T on the plus strand (G>A on the coding strand, the complement: GLA is on the minus strand). VCF-style: chrX-101397862-C-T. GRCh37 (hg19) VCF-style: chrX-100652850-C-T.
Other names: c.1360G>A, p.Val454Ile (NM_001406747.1); c.300+2405C>T (NM_001199973.2); c.177+6040C>T (NM_001199974.2); short protein forms V454I, V413I.
Identifiers: ClinVar variation 3281499 (VCV003281499.5).